The following is an entry in ClinVar:

ClinVar aggregate classification (germline): Uncertain significance. Review status: criteria provided, multiple submitters, no conflicts (2 of 4 stars). 2 submissions from 2 submitters: Uncertain significance (2). Last evaluated 2022-05-11.

Conditions:
Smith-Lemli-Opitz syndrome (SLOS). Also called: LETHAL ACRODYSGENITAL SYNDROME; POLYDACTYLY, SEX REVERSAL, RENAL HYPOPLASIA, AND UNILOBAR LUNG; RSH SYNDROME; RUTLEDGE LETHAL MULTIPLE CONGENITAL ANOMALY SYNDROME; 7-Dehydrocholesterol reductase deficiency. Identifiers: Orphanet 818, MedGen C0175694, MONDO:0010035, OMIM 270400.

Allele frequency attached by ClinVar (database versions not stated): gnomAD exomes 0.00002; TOPMed 0.00002; gnomAD 0.00004.

Submissions (2):

GeneDx
Classification: Uncertain significance. Last evaluated: 2022-05-11. Review status: criteria provided, single submitter. Criteria: GeneDx Variant Classification Process June 2021. Collection method: clinical testing. Allele origin: germline. Affected: yes.
Comment: Not observed at significant frequency in large population cohorts (gnomAD); In silico analysis supports that this missense variant does not alter protein structure/function; Has not been previously published as pathogenic or benign to our knowledge

Labcorp Genetics (formerly Invitae), Labcorp
Classification: Uncertain significance for Smith-Lemli-Opitz syndrome. Last evaluated: 2021-12-25. Review status: criteria provided, single submitter. Criteria: Invitae Variant Classification Sherloc (09022015). Collection method: clinical testing. Allele origin: germline.
Comment: This sequence change replaces alanine, which is neutral and non-polar, with threonine, which is neutral and polar, at codon 184 of the DHCR7 protein (p.Ala184Thr). This variant is present in population databases (no rsID available, gnomAD 0.01%). This variant has not been reported in the literature in individuals affected with DHCR7-related conditions. Algorithms developed to predict the effect of missense changes on protein structure and function (SIFT, PolyPhen-2, Align-GVGD) all suggest that this variant is likely to be tolerated. In summary, the available evidence is currently insufficient to determine the role of this variant in disease. Therefore, it has been classified as a Variant of Uncertain Significance.

NM_001360.3(DHCR7):c.550G>A (p.Ala184Thr)

Gene: DHCR7 (7-dehydrocholesterol reductase; minus strand). Cytogenetic location: 11q13.4.
Variant type: single nucleotide variant.
Coding change: c.550G>A on transcript NM_001360.3 (MANE Select); coding-DNA position 550, G replaced by A.
Protein change: p.Ala184Thr; replaces alanine 184 with threonine.
Molecular consequence: missense variant.
Genome position (GRCh38, 1-based): chr11:71,441,303, C>T on the plus strand (G>A on the coding strand, the complement: DHCR7 is on the minus strand). VCF-style: chr11-71441303-C-T. GRCh37 (hg19) VCF-style: chr11-71152349-C-T.
Other names: c.550G>A, p.Ala184Thr (NM_001163817.2); short protein forms A184T.
Identifiers: ClinVar variation 1723533 (VCV001723533.4), dbSNP rs891223964, ClinGen allele CA224279790.